The following is an entry in ClinVar:

NM_004544.4(NDUFA10):c.1009C>T (p.Arg337Cys)

Gene: NDUFA10 (NADH:ubiquinone oxidoreductase subunit A10; minus strand). Cytogenetic location: 2q37.3.
Variant type: single nucleotide variant.
Coding change: c.1009C>T on transcript NM_004544.4 (MANE Select); coding-DNA position 1009, C replaced by T.
Protein change: p.Arg337Cys; replaces arginine 337 with cysteine.
Molecular consequence: missense variant. On other transcripts: non-coding transcript variant (3), synonymous variant (1).
Genome position (GRCh38, 1-based): chr2:239,961,177, G>A on the plus strand (C>T on the coding strand, the complement: NDUFA10 is on the minus strand). VCF-style: chr2-239961177-G-A. GRCh37 (hg19) VCF-style: chr2-240900594-G-A.
Other names: c.900C>T, p.Ala300= (NM_001322020.2); short protein forms R337C.
Identifiers: ClinVar variation 1919183 (VCV001919183.2), dbSNP rs145023086, ClinGen allele CA2200628.

ClinVar aggregate classification (germline): Uncertain significance (1 of 4 stars; one submission).

Allele frequency attached by ClinVar (database versions not stated): ExAC 0.00002; gnomAD exomes 0.00002; TOPMed 0.00002; gnomAD 0.00004; ESP Exome Variant Server 0.00008.
gnomAD v4.1: 34 of 1,607,164 alleles (0.0021%); highest among the groups gnomAD compares: Non-Finnish European, 0.0027%; no homozygotes.

Submission:

Labcorp Genetics (formerly Invitae), Labcorp
Classification: Uncertain significance. Last evaluated: 2022-03-04. Review status: criteria provided, single submitter. Criteria: Invitae Variant Classification Sherloc (09022015). Collection method: clinical testing. Allele origin: germline.
Comment: This sequence change replaces arginine, which is basic and polar, with cysteine, which is neutral and slightly polar, at codon 337 of the NDUFA10 protein (p.Arg337Cys). This variant is present in population databases (rs145023086, gnomAD 0.002%). This missense change has been observed in individual(s) with clinical features of mitochondrial complex I deficiency (PMID: 31130284). Algorithms developed to predict the effect of missense changes on protein structure and function are either unavailable or do not agree on the potential impact of this missense change (SIFT: "Deleterious"; PolyPhen-2: "Benign"; Align-GVGD: "Class C0"). In summary, the available evidence is currently insufficient to determine the role of this variant in disease. Therefore, it has been classified as a Variant of Uncertain Significance.

Literature cited by the submitters: PubMed 31130284.